The following is an entry in ClinVar:

NM_001270508.2(TNFAIP3):c.1739A>G (p.His580Arg)

Gene: TNFAIP3 (TNF alpha induced protein 3; plus strand). Cytogenetic location: 6q23.3.
Variant type: single nucleotide variant.
Coding change: c.1739A>G on transcript NM_001270508.2 (MANE Select); coding-DNA position 1739, A replaced by G.
Protein change: p.His580Arg; replaces histidine 580 with arginine.
Molecular consequence: missense variant.
Genome position (GRCh38, 1-based): chr6:137,879,184, A>G. VCF-style: chr6-137879184-A-G. GRCh37 (hg19) VCF-style: chr6-138200321-A-G.
Other names: c.1739A>G, p.His580Arg (NM_001270507.2, NM_006290.4); short protein forms H580R.
Identifiers: ClinVar variation 1915340 (VCV001915340.5), dbSNP rs200132284, ClinGen allele CA4019692.

ClinVar aggregate classification (germline): Uncertain significance (1 of 4 stars; one submission).

Allele frequency attached by ClinVar (database versions not stated): gnomAD exomes below 0.00001; ExAC 0.00001; gnomAD 0.00001; 1000 Genomes Project 30x 0.00016; 1000 Genomes Project 0.00020.
gnomAD v4.1: 3 of 1,614,122 alleles (0.00019%); highest among the groups gnomAD compares: African/African-American, 0.0027%; no homozygotes.

Submission:

Labcorp Genetics (formerly Invitae), Labcorp
Classification: Uncertain significance. Last evaluated: 2024-10-26. Review status: criteria provided, single submitter. Criteria: Invitae Variant Classification Sherloc (09022015). Collection method: clinical testing. Allele origin: germline.
Comment: This sequence change replaces histidine, which is basic and polar, with arginine, which is basic and polar, at codon 580 of the TNFAIP3 protein (p.His580Arg). This variant is present in population databases (rs200132284, gnomAD 0.007%). This variant has not been reported in the literature in individuals affected with TNFAIP3-related conditions. ClinVar contains an entry for this variant (Variation ID: 1915340). Invitae Evidence Modeling of protein sequence and biophysical properties (such as structural, functional, and spatial information, amino acid conservation, physicochemical variation, residue mobility, and thermodynamic stability) indicates that this missense variant is not expected to disrupt TNFAIP3 protein function with a negative predictive value of 80%. In summary, the available evidence is currently insufficient to determine the role of this variant in disease. Therefore, it has been classified as a Variant of Uncertain Significance.